The following is an entry in ClinVar:

NM_001040142.2(SCN2A):c.261T>A (p.Asn87Lys)

Gene: SCN2A (sodium voltage-gated channel alpha subunit 2; plus strand). Cytogenetic location: 2q24.3.
Variant type: single nucleotide variant.
Coding change: c.261T>A on transcript NM_001040142.2 (MANE Select); coding-DNA position 261, T replaced by A.
Protein change: p.Asn87Lys; replaces asparagine 87 with lysine.
Molecular consequence: missense variant.
Genome position (GRCh38, 1-based): chr2:165,296,084, T>A. VCF-style: chr2-165296084-T-A. GRCh37 (hg19) VCF-style: chr2-166152594-T-A.
Other names: c.261T>A, p.Asn87Lys (NM_001040143.2, NM_001371246.1, NM_001371247.1 and 1 more transcripts); short protein forms N87K.
Identifiers: ClinVar variation 2954065 (VCV002954065.3), dbSNP rs1696491855, ClinGen allele CA349010997.
Genomic context (GRCh38, chr2:165,296,084, plus strand): 5'-AGACATTCCTCCAGAGATGGTGTCAGTGCCCCTGGAGGATCTGGACCCCTACTATATCAA[T>A]AAGAAAGTGAGTTCTTAGTCAAGTTGCCTTCACTGCCTATTTACTAATTGGTTCTGGGCT-3'
Protein context (NP_001035232.1, residues 77-97): PLEDLDPYYI[Asn87Lys]KKTFIVLNKG

ClinVar aggregate classification (germline): Uncertain significance (1 of 4 stars; one submission).

Conditions:
Seizures, benign familial infantile, 3 (BFIS3). Also called: Familial neonatal seizures; CONVULSIONS, BENIGN FAMILIAL INFANTILE, 3. Identifiers: Orphanet 140927, Orphanet 306, MedGen C1843140, MONDO:0011904, OMIM 607745.
Developmental and epileptic encephalopathy, 11 (DEE11). Also called: Early infantile epileptic encephalopathy 11. Identifiers: Orphanet 1934, MedGen C3150987, MONDO:0013388, OMIM 613721.

Allele frequency attached by ClinVar (database versions not stated): gnomAD 0.00001.
gnomAD v4.1: 1 of 1,613,016 alleles (0.000062%); highest among the groups gnomAD compares: African/African-American, 0.0013%; no homozygotes.

Submission:

Labcorp Genetics (formerly Invitae), Labcorp
Classification: Uncertain significance for Seizures, benign familial infantile, 3; Developmental and epileptic encephalopathy, 11. Last evaluated: 2023-11-20. Review status: criteria provided, single submitter. Criteria: Invitae Variant Classification Sherloc (09022015). Collection method: clinical testing. Allele origin: germline.
Comment: This sequence change replaces asparagine, which is neutral and polar, with lysine, which is basic and polar, at codon 87 of the SCN2A protein (p.Asn87Lys). This variant is not present in population databases (gnomAD no frequency). This variant has not been reported in the literature in individuals affected with SCN2A-related conditions. Advanced modeling of protein sequence and biophysical properties (such as structural, functional, and spatial information, amino acid conservation, physicochemical variation, residue mobility, and thermodynamic stability) has been performed at Invitae for this missense variant, however the output from this modeling did not meet the statistical confidence thresholds required to predict the impact of this variant on SCN2A protein function. In summary, the available evidence is currently insufficient to determine the role of this variant in disease. Therefore, it has been classified as a Variant of Uncertain Significance.